The following is an entry in ClinVar:

NM_000026.4(ADSL):c.891T>A (p.Asn297Lys)

Gene: ADSL (adenylosuccinate lyase; plus strand). Cytogenetic location: 22q13.1.
Variant type: single nucleotide variant.
Coding change: c.891T>A on transcript NM_000026.4 (MANE Select); coding-DNA position 891, T replaced by A.
Protein change: p.Asn297Lys; replaces asparagine 297 with lysine.
Molecular consequence: missense variant. On other transcripts: non-coding transcript variant (1).
Genome position (GRCh38, 1-based): chr22:40,361,516, T>A. VCF-style: chr22-40361516-T-A. GRCh37 (hg19) VCF-style: chr22-40757520-T-A.
Other names: c.891T>A, p.Asn297Lys (NM_001123378.3, NM_001363840.3); c.699T>A, p.Asn233Lys (NM_001317923.2); short protein forms N233K, N297K.
Identifiers: ClinVar variation 1378222 (VCV001378222.6), dbSNP rs2044789747, ClinGen allele CA411643879.
Genomic context (GRCh38, chr22:40,361,516, plus strand): 5'-CTTTGCATCTTGTCCTTTTTTTACATGGGCAGGCTCAAGTGCGATGCCATATAAGCGGAA[T>A]CCCATGCGTTCAGAACGTTGCTGCAGTCTTGCCCGCCACCTGATGACCCTTGTCATGGAC-3'
Protein context (NP_000017.1, residues 287-307): IGSSAMPYKR[Asn297Lys]PMRSERCCSL

ClinVar aggregate classification (germline): Uncertain significance (1 of 4 stars; one submission).

Conditions:
Adenylosuccinate lyase deficiency (ADSLD). Also called: ADSL DEFICIENCY. Identifiers: Orphanet 46, MedGen C0268126, MONDO:0007068, OMIM 103050.

Submission:

Labcorp Genetics (formerly Invitae), Labcorp
Classification: Uncertain significance for Adenylosuccinate lyase deficiency. Last evaluated: 2021-08-28. Review status: criteria provided, single submitter. Criteria: Invitae Variant Classification Sherloc (09022015). Collection method: clinical testing. Allele origin: germline.
Comment: In summary, the available evidence is currently insufficient to determine the role of this variant in disease. Therefore, it has been classified as a Variant of Uncertain Significance. Advanced modeling of protein sequence and biophysical properties (such as structural, functional, and spatial information, amino acid conservation, physicochemical variation, residue mobility, and thermodynamic stability) performed at Invitae indicates that this missense variant is not expected to disrupt ADSL protein function. This missense change has been observed in individual(s) with clinical features of adenylosuccinate lyase (ADSL) deficiency (Invitae). This variant is not present in population databases (ExAC no frequency). This sequence change replaces asparagine with lysine at codon 297 of the ADSL protein (p.Asn297Lys). The asparagine residue is highly conserved and there is a moderate physicochemical difference between asparagine and lysine.